The following is an entry in ClinVar:

NM_020975.6(RET):c.1731C>G (p.Asp577Glu)

Gene: RET (ret proto-oncogene; plus strand). Cytogenetic location: 10q11.21.
Variant type: single nucleotide variant.
Coding change: c.1731C>G on transcript NM_020975.6 (MANE Select); coding-DNA position 1731, C replaced by G.
Protein change: p.Asp577Glu; replaces aspartic acid 577 with glutamic acid.
Molecular consequence: missense variant.
Genome position (GRCh38, 1-based): chr10:43,112,935, C>G. VCF-style: chr10-43112935-C-G. GRCh37 (hg19) VCF-style: chr10-43608383-C-G.
Other names: p.Asp577Glu; c.1731C>G, p.Asp577Glu (NM_001406760.1, NM_001406765.1, NM_001406763.1 and 6 more transcripts); c.1602C>G, p.Asp534Glu (NM_001406761.1, NM_001406762.1, NM_001406764.1 and 1 more transcripts); c.1443C>G, p.Asp481Glu (NM_001406767.1, NM_001406766.1, NM_001406770.1); c.1335C>G, p.Asp445Glu (NM_001406769.1, NM_001406772.1); c.969C>G, p.Asp323Glu (NM_001355216.2); c.1293C>G, p.Asp431Glu (NM_001406771.1, NM_001406773.1); c.1206C>G, p.Asp402Glu (NM_001406774.1); and 6 more; short protein forms D577E, D323E, D182E, D247E, D445E, D481E, D534E, D94E.
Identifiers: ClinVar variation 477324 (VCV000477324.15), dbSNP rs1554818709, ClinGen allele CA376552094.

ClinVar aggregate classification (germline): Uncertain significance. Review status: criteria provided, multiple submitters, no conflicts (2 of 4 stars). 4 submissions from 4 submitters: Uncertain significance (4). Last evaluated 2026-01-26.

Conditions:
Hereditary cancer-predisposing syndrome. Also called: Neoplastic Syndromes, Hereditary; Hereditary Cancer Syndrome; Hereditary neoplastic syndrome; Tumor predisposition. Identifiers: Orphanet 140162, MedGen C0027672, MeSH D009386, MONDO:0015356.
Multiple endocrine neoplasia, type 2 (MEN2). Identifiers: Orphanet 653, MedGen C4048306, MONDO:0019003. Disease mechanism: gain of function.

Allele frequency attached by ClinVar (database versions not stated): gnomAD exomes below 0.00001; TOPMed below 0.00001.
gnomAD v4.1: 1 of 1,614,178 alleles (0.000062%); highest among the groups gnomAD compares: Non-Finnish European, 0.000085%; no homozygotes.

Submissions (4):

Labcorp Genetics (formerly Invitae), Labcorp
Classification: Uncertain significance for Multiple endocrine neoplasia, type 2. Last evaluated: 2026-01-26. Review status: criteria provided, single submitter. Criteria: Invitae Variant Classification Sherloc (09022015). Collection method: clinical testing. Allele origin: germline.
Comment: This sequence change replaces aspartic acid, which is acidic and polar, with glutamic acid, which is acidic and polar, at codon 577 of the RET protein (p.Asp577Glu). This variant is not present in population databases (gnomAD no frequency). This variant has not been reported in the literature in individuals affected with RET-related conditions. ClinVar contains an entry for this variant (Variation ID: 477324). An algorithm developed to predict the effect of missense changes on protein structure and function (PolyPhen-2) suggests that this variant is likely to be tolerated. In summary, the available evidence is currently insufficient to determine the role of this variant in disease. Therefore, it has been classified as a Variant of Uncertain Significance.

Ambry Genetics
Classification: Uncertain significance for Hereditary cancer-predisposing syndrome. Last evaluated: 2025-10-06. Review status: criteria provided, single submitter. Criteria: Ambry Variant Classification Scheme 2023. Collection method: clinical testing. Allele origin: germline.
Comment: The p.D577E variant (also known as c.1731C>G), located in coding exon 9 of the RET gene, results from a C to G substitution at nucleotide position 1731. The aspartic acid at codon 577 is replaced by glutamic acid, an amino acid with highly similar properties. This amino acid position is not well conserved in available vertebrate species. In addition, this alteration is predicted to be tolerated by in silico analysis. Based on the available evidence, the clinical significance of this variant remains unclear.

Mayo Clinic Laboratories, Mayo Clinic
Classification: Uncertain significance. Last evaluated: 2023-03-15. Review status: criteria provided, single submitter. Criteria: ACMG Guidelines, 2015. Collection method: clinical testing. Allele origin: germline. Observed: 1 variant allele.
Comment: PM2

ARUP Laboratories, Molecular Genetics and Genomics, ARUP Laboratories
Classification: Uncertain significance. Last evaluated: 2023-03-03. Review status: criteria provided, single submitter. Criteria: ARUP Molecular Germline Variant Investigation Process 2024. Collection method: clinical testing. Allele origin: germline.
Comment: The RET c.1731C>G; p.Asp577Glu variant (rs1554818709), to our knowledge, is not reported in the medical literature but is reported in ClinVar (Variation ID: 477324). This variant is absent from the Genome Aggregation Database, indicating it is not a common polymorphism. Computational analyses are uncertain whether this variant is neutral or deleterious (REVEL: 0.355). Due to limited information, the clinical significance of this variant is uncertain at this time.